The following is an entry in ClinVar:

ClinVar aggregate classification (germline): Uncertain significance (1 of 4 stars; one submission).

Allele frequency attached by ClinVar (database versions not stated): gnomAD exomes below 0.00001.
gnomAD v4.1: 1 of 1,611,666 alleles (0.000062%); highest among the groups gnomAD compares: Admixed American, 0.0017%; no homozygotes.

Submission:

GeneDx
Classification: Uncertain significance. Last evaluated: 2019-11-21. Review status: criteria provided, single submitter. Criteria: GeneDx Variant Classification Process June 2021. Collection method: clinical testing. Allele origin: germline. Affected: yes.
Comment: Not observed at a significant frequency in large population cohorts (Lek et al., 2016); In silico analysis, which includes protein predictors and evolutionary conservation, supports a deleterious effect; Has not been previously published as pathogenic or benign to our knowledge

NM_018136.5(ASPM):c.3803G>A (p.Arg1268Lys)

Gene: ASPM (assembly factor for spindle microtubules; minus strand). Cytogenetic location: 1q31.3.
Variant type: single nucleotide variant.
Coding change: c.3803G>A on transcript NM_018136.5 (MANE Select); coding-DNA position 3803, G replaced by A.
Protein change: p.Arg1268Lys; replaces arginine 1268 with lysine.
Molecular consequence: missense variant.
Genome position (GRCh38, 1-based): chr1:197,121,982, C>T on the plus strand (G>A on the coding strand, the complement: ASPM is on the minus strand). VCF-style: chr1-197121982-C-T. GRCh37 (hg19) VCF-style: chr1-197091112-C-T.
Other names: c.3803G>A, p.Arg1268Lys (NM_001206846.2); short protein forms R1268K.
Identifiers: ClinVar variation 1310421 (VCV001310421.2), dbSNP rs1316929291, ClinGen allele CA344037856.